The following is an entry in ClinVar:

ClinVar aggregate classification (germline): Uncertain significance (1 of 4 stars; one submission).

gnomAD v4.1: 7 of 1,614,162 alleles (0.00043%); highest among the groups gnomAD compares: African/African-American, 0.0013%; no homozygotes.

Submission:

Ambry Genetics
Classification: Uncertain significance. Last evaluated: 2024-11-30. Review status: criteria provided, single submitter. Criteria: Ambry Variant Classification Scheme 2023. Collection method: clinical testing. Allele origin: germline.
Comment: The p.K178R variant (also known as c.533A>G), located in coding exon 1 of the CDK12 gene, results from an A to G substitution at nucleotide position 533. The lysine at codon 178 is replaced by arginine, an amino acid with highly similar properties. This amino acid position is conserved. In addition, this alteration is predicted to be tolerated by in silico analysis. Based on the available evidence, the clinical significance of this variant remains unclear.

NM_016507.4(CDK12):c.533A>G (p.Lys178Arg)

Genes: CDK12 (cyclin dependent kinase 12; plus strand), LOC126862553 (CDK7 strongly-dependent group 2 enhancer GRCh37_chr17:37618166-37619365; plus strand). Cytogenetic location: 17q12.
Variant type: single nucleotide variant.
Coding change: c.533A>G on transcript NM_016507.4 (MANE Select); coding-DNA position 533, A replaced by G.
Protein change: p.Lys178Arg; replaces lysine 178 with arginine.
Molecular consequence: missense variant.
Genome position (GRCh38, 1-based): chr17:39,462,604, A>G. VCF-style: chr17-39462604-A-G. GRCh37 (hg19) VCF-style: chr17-37618857-A-G.
Other names: c.533A>G, p.Lys178Arg (NM_015083.4); short protein forms K178R.
Identifiers: ClinVar variation 3489322 (VCV003489322.1).